The following is an entry in ClinVar:

ClinVar aggregate classification (germline): Uncertain significance (1 of 4 stars; one submission).

Allele frequency attached by ClinVar (database versions not stated): gnomAD 0.00001; gnomAD exomes 0.00001; ExAC 0.00003.
gnomAD v4.1: 22 of 1,614,016 alleles (0.0014%); highest among the groups gnomAD compares: East Asian, 0.0045%; no homozygotes.

Submission:

Labcorp Genetics (formerly Invitae), Labcorp
Classification: Uncertain significance. Last evaluated: 2023-11-27. Review status: criteria provided, single submitter. Criteria: Invitae Variant Classification Sherloc (09022015). Collection method: clinical testing. Allele origin: germline.
Comment: This sequence change replaces glycine, which is neutral and non-polar, with serine, which is neutral and polar, at codon 832 of the DSCAML1 protein (p.Gly832Ser). This variant is present in population databases (rs772421114, gnomAD 0.004%). This variant has not been reported in the literature in individuals affected with DSCAML1-related conditions. ClinVar contains an entry for this variant (Variation ID: 1956637). An algorithm developed to predict the effect of missense changes on protein structure and function (PolyPhen-2) suggests that this variant is likely to be disruptive. In summary, the available evidence is currently insufficient to determine the role of this variant in disease. Therefore, it has been classified as a Variant of Uncertain Significance.

NM_020693.4(DSCAML1):c.2314G>A (p.Gly772Ser)

Gene: DSCAML1 (DS cell adhesion molecule like 1; minus strand). Cytogenetic location: 11q23.3.
Variant type: single nucleotide variant.
Coding change: c.2314G>A on transcript NM_020693.4 (MANE Select); coding-DNA position 2314, G replaced by A.
Protein change: p.Gly772Ser; replaces glycine 772 with serine.
Molecular consequence: missense variant.
Genome position (GRCh38, 1-based): chr11:117,503,890, C>T on the plus strand (G>A on the coding strand, the complement: DSCAML1 is on the minus strand). VCF-style: chr11-117503890-C-T. GRCh37 (hg19) VCF-style: chr11-117374605-C-T.
Other names: c.2314G>A, p.Gly772Ser (NM_001367904.1); short protein forms G772S.
Identifiers: ClinVar variation 1956637 (VCV001956637.5), dbSNP rs772421114, ClinGen allele CA6297057.